The following is an entry in ClinVar:

NM_004998.4(MYO1E):c.755_760del (p.Arg252_Glu254delinsLys)

Gene: MYO1E (myosin IE; minus strand). Cytogenetic location: 15q22.2.
Variant type: Deletion.
Coding change: c.755_760del on transcript NM_004998.4 (MANE Select); coding-DNA positions 755 to 760, 6 bases deleted (GGCGGG; older notation c.755_760delGGCGGG).
Protein change: p.Arg252_Glu254delinsLys.
Molecular consequence: inframe indel.
Genome position (GRCh38, 1-based): chr15:59,224,706-59,224,711, CCCGCC deleted on the plus strand (GGCGGG on the coding strand, the reverse complement: MYO1E is on the minus strand). VCF-style (leftmost placement, unchanged base first): chr15-59224705-TCCCGCC-T. GRCh37 (hg19) VCF-style: chr15-59516904-TCCCGCC-T.
Identifiers: ClinVar variation 1525550 (VCV001525550.7), dbSNP rs774652175, ClinGen allele CA7590221.

ClinVar aggregate classification (germline): Uncertain significance. Review status: criteria provided, multiple submitters, no conflicts (2 of 4 stars). 2 submissions from 2 submitters: Uncertain significance (2). Last evaluated 2024-04-05.

Conditions:
Focal segmental glomerulosclerosis 6 (FSGS6). Identifiers: Orphanet 656, MedGen C3279905, MONDO:0013589, OMIM 614131.

Allele frequency attached by ClinVar (database versions not stated): gnomAD exomes 0.00010 and 0.00026; ExAC 0.00011; gnomAD 0.00012; TOPMed 0.00017; ESP Exome Variant Server 0.00032.

Submissions (2):

Fulgent Genetics
Classification: Uncertain significance for Focal segmental glomerulosclerosis 6. Last evaluated: 2024-04-05. Review status: criteria provided, single submitter. Criteria: ACMG Guidelines, 2015. Collection method: clinical testing. Allele origin: germline.

Labcorp Genetics (formerly Invitae), Labcorp
Classification: Uncertain significance. Last evaluated: 2022-02-06. Review status: criteria provided, single submitter. Criteria: Invitae Variant Classification Sherloc (09022015). Collection method: clinical testing. Allele origin: germline.
Comment: This variant, c.755_760del, is a complex sequence change that results in the deletion of 3 and insertion of 1 amino acid(s) in the MYO1E protein (p.Arg252_Glu254delinsLys). This variant is present in population databases (rs774652175, gnomAD 0.02%). This variant has not been reported in the literature in individuals affected with MYO1E-related conditions. Experimental studies and prediction algorithms are not available or were not evaluated, and the functional significance of this variant is currently unknown. In summary, the available evidence is currently insufficient to determine the role of this variant in disease. Therefore, it has been classified as a Variant of Uncertain Significance.